The following is an entry in ClinVar:

NM_001040142.2(SCN2A):c.5833A>G (p.Ile1945Val)

Gene: SCN2A (sodium voltage-gated channel alpha subunit 2; plus strand). Cytogenetic location: 2q24.3.
Variant type: single nucleotide variant.
Coding change: c.5833A>G on transcript NM_001040142.2 (MANE Select); coding-DNA position 5833, A replaced by G.
Protein change: p.Ile1945Val; replaces isoleucine 1945 with valine.
Molecular consequence: missense variant.
Genome position (GRCh38, 1-based): chr2:165,389,639, A>G. VCF-style: chr2-165389639-A-G. GRCh37 (hg19) VCF-style: chr2-166246149-A-G.
Other names: c.5833A>G, p.Ile1945Val (NM_001040143.2, NM_001371246.1, NM_001371247.1 and 1 more transcripts); c.5833A>G (NM_021007.2); short protein forms I1945V.
Identifiers: ClinVar variation 2183432 (VCV002183432.5), dbSNP rs1702048667, ClinGen allele CA349040584.
Genomic context (GRCh38, chr2:165,389,639, plus strand): 5'-GTTAAAAAGGTATCAAGTATATACAAGAAAGACAAAGGCAAAGAATGTGATGGAACACCC[A>G]TCAAAGAAGATACTCTCATTGATAAACTGAATGAGAATTCAACTCCAGAGAAAACCGATA-3'
Protein context (NP_001035232.1, residues 1935-1955): DKGKECDGTP[Ile1945Val]KEDTLIDKLN

ClinVar aggregate classification (germline): Uncertain significance. Review status: criteria provided, multiple submitters, no conflicts (2 of 4 stars). 2 submissions from 2 submitters: Uncertain significance (2). Last evaluated 2025-10-14.

Conditions:
Inborn genetic diseases. Identifiers: MedGen C0950123, MeSH D030342.
Developmental and epileptic encephalopathy, 11 (DEE11). Also called: Early infantile epileptic encephalopathy 11. Identifiers: Orphanet 1934, MedGen C3150987, MONDO:0013388, OMIM 613721.
Seizures, benign familial infantile, 3 (BFIS3). Also called: Familial neonatal seizures; CONVULSIONS, BENIGN FAMILIAL INFANTILE, 3. Identifiers: Orphanet 140927, Orphanet 306, MedGen C1843140, MONDO:0011904, OMIM 607745.

Submissions (2):

Labcorp Genetics (formerly Invitae), Labcorp
Classification: Uncertain significance for Seizures, benign familial infantile, 3; Developmental and epileptic encephalopathy, 11. Last evaluated: 2025-10-14. Review status: criteria provided, single submitter. Criteria: Invitae Variant Classification Sherloc (09022015). Collection method: clinical testing. Allele origin: germline.
Comment: This sequence change replaces isoleucine, which is neutral and non-polar, with valine, which is neutral and non-polar, at codon 1945 of the SCN2A protein (p.Ile1945Val). This variant is not present in population databases (gnomAD no frequency). This variant has not been reported in the literature in individuals affected with SCN2A-related conditions. ClinVar contains an entry for this variant (Variation ID: 2183432). Invitae Evidence Modeling of protein sequence and biophysical properties (such as structural, functional, and spatial information, amino acid conservation, physicochemical variation, residue mobility, and thermodynamic stability) indicates that this missense variant is not expected to disrupt SCN2A protein function with a negative predictive value of 95%. In summary, the available evidence is currently insufficient to determine the role of this variant in disease. Therefore, it has been classified as a Variant of Uncertain Significance.

Ambry Genetics
Classification: Uncertain significance for Inborn genetic diseases. Last evaluated: 2024-12-24. Review status: criteria provided, single submitter. Criteria: Ambry Variant Classification Scheme 2023. Collection method: clinical testing. Allele origin: germline.